The following is an entry in ClinVar:

NM_025074.7(FRAS1):c.201A>G (p.Gln67=)

Gene: FRAS1 (Fraser extracellular matrix complex subunit 1; plus strand). Cytogenetic location: 4q21.21.
Variant type: single nucleotide variant.
Coding change: c.201A>G on transcript NM_025074.7 (MANE Select); coding-DNA position 201, A replaced by G.
Protein change: p.Gln67=; no amino-acid change (glutamine 67 retained).
Molecular consequence: synonymous variant.
Genome position (GRCh38, 1-based): chr4:78,237,602, A>G. VCF-style: chr4-78237602-A-G. GRCh37 (hg19) VCF-style: chr4-79158756-A-G.
Other names: c.201A>G, p.Gln67= (NM_001166133.2).
Identifiers: ClinVar variation 349654 (VCV000349654.15), dbSNP rs117876433, ClinGen allele CA2975859.

ClinVar aggregate classification (germline): Benign/Likely benign. Review status: criteria provided, multiple submitters, no conflicts (2 of 4 stars). 3 submissions from 3 submitters: Benign (1); Likely benign (1). 1 of the submissions does not count toward it. Last evaluated 2026-01-28.

Conditions:
FRAS1-related disorder. Also called: FRAS1-related condition.
Fraser syndrome 1 (FRASRS1). Also called: CRYPTOPHTHALMOS WITH OTHER MALFORMATIONS. Identifiers: Orphanet 2052, MedGen C4551480, MONDO:0054737, OMIM 219000.

Allele frequency attached by ClinVar (database versions not stated): ESP Exome Variant Server 0.00016; TOPMed 0.00038; 1000 Genomes Project 0.00080; 1000 Genomes Project 30x 0.00094; gnomAD exomes 0.00152 and 0.00291; gnomAD 0.00210 and 0.00214; ExAC 0.00265.
gnomAD v4.1: 2,505 of 1,603,968 alleles (0.16%); highest among the groups gnomAD compares: East Asian, 1.5%; 25 homozygotes.

Submissions (3):

Labcorp Genetics (formerly Invitae), Labcorp
Classification: Benign. Last evaluated: 2026-01-28. Review status: criteria provided, single submitter. Criteria: Invitae Variant Classification Sherloc (09022015). Collection method: clinical testing. Allele origin: germline.

Illumina Laboratory Services, Illumina
Classification: Likely benign for Fraser syndrome 1. Last evaluated: 2018-01-13. Review status: criteria provided, single submitter. Criteria: ICSL Variant Classification Criteria 13 December 2019. Collection method: clinical testing. Allele origin: germline.
Comment: This variant was observed in the ICSL laboratory as part of a predisposition screen in an ostensibly healthy population. It had not been previously curated by ICSL or reported in the Human Gene Mutation Database (HGMD: prior to June 1st, 2018), and was therefore a candidate for classification through an automated scoring system. Utilizing variant allele frequency, disease prevalence and penetrance estimates, and inheritance mode, an automated score was calculated to assess if this variant is too frequent to cause the disease. Based on the score and internal cut-off values, a variant classified as likely benign is not then subjected to further curation. The score for this variant resulted in a classification of likely benign for this disease.

PreventionGenetics, part of Exact Sciences
Classification: Benign for FRAS1-related condition. Last evaluated: 2019-06-26. Review status: no assertion criteria provided. Collection method: clinical testing. Allele origin: germline. Not counted in ClinVar's aggregate classification.
Comment: This variant is classified as benign based on ACMG/AMP sequence variant interpretation guidelines (Richards et al. 2015 PMID: 25741868, with internal and published modifications).